The following is an entry in ClinVar:

NM_173689.7(CRB2):c.468G>A (p.Leu156=)

Gene: CRB2 (crumbs cell polarity complex component 2; plus strand). Cytogenetic location: 9q33.3.
Variant type: single nucleotide variant.
Coding change: c.468G>A on transcript NM_173689.7 (MANE Select); coding-DNA position 468, G replaced by A.
Protein change: p.Leu156=; no amino-acid change (leucine 156 retained).
Molecular consequence: synonymous variant.
Genome position (GRCh38, 1-based): chr9:123,365,966, G>A. VCF-style: chr9-123365966-G-A. GRCh37 (hg19) VCF-style: chr9-126128245-G-A.
Identifiers: ClinVar variation 779094 (VCV000779094.16), dbSNP rs146419635, ClinGen allele CA5231668.

ClinVar aggregate classification (germline): Benign/Likely benign. Review status: criteria provided, multiple submitters, no conflicts (2 of 4 stars). 4 submissions from 4 submitters: Benign (1); Likely benign (2). 1 of the submissions does not count toward it. Last evaluated 2025-12-20.

Conditions:
CRB2-related disorder. Also called: CRB2-related condition; CRB2-related disorders.

Allele frequency attached by ClinVar (database versions not stated): 1000 Genomes Project 0.00120; 1000 Genomes Project 30x 0.00141; ESP Exome Variant Server 0.00201; gnomAD exomes 0.00026 and 0.00054; ExAC 0.00062; gnomAD 0.00211 and 0.00222; TOPMed 0.00229.
gnomAD v4.1: 711 of 1,597,702 alleles (0.045%); highest among the groups gnomAD compares: African/African-American, 0.79%; 5 homozygotes.

Submissions (4):

Labcorp Genetics (formerly Invitae), Labcorp
Classification: Benign. Last evaluated: 2025-12-20. Review status: criteria provided, single submitter. Criteria: Invitae Variant Classification Sherloc (09022015). Collection method: clinical testing. Allele origin: germline.

Blueprint Genetics
Classification: Likely benign. Last evaluated: 2024-09-23. Review status: criteria provided, single submitter. Criteria: ACMG Guidelines, 2015. Collection method: clinical testing. Allele origin: germline.

Genetic Services Laboratory, University of Chicago
Classification: Likely benign. Last evaluated: 2021-06-25. Review status: criteria provided, single submitter. Criteria: ACMG Guidelines, 2015. Collection method: clinical testing. Allele origin: germline. Affected: no.

PreventionGenetics, part of Exact Sciences
Classification: Likely benign for CRB2-related condition. Last evaluated: 2019-03-11. Review status: no assertion criteria provided. Collection method: clinical testing. Allele origin: germline. Not counted in ClinVar's aggregate classification.
Comment: This variant is classified as likely benign based on ACMG/AMP sequence variant interpretation guidelines (Richards et al. 2015 PMID: 25741868, with internal and published modifications).